The following is an entry in ClinVar:

ClinVar aggregate classification (germline): Likely benign (1 of 4 stars; one submission).

Conditions:
Juvenile polyposis/hereditary hemorrhagic telangiectasia syndrome (JPHT). Also called: JP/HHT SYNDROME; JUVENILE POLYPOSIS WITH HEREDITARY HEMORRHAGIC TELANGIECTASIA; POLYPOSIS, GENERALIZED JUVENILE, WITH PULMONARY ARTERIOVENOUS MALFORMATION; TELANGIECTASIA, HEREDITARY HEMORRHAGIC, WITH JUVENILE POLYPOSIS COLI; Juvenile Polyposis Syndrome / Hereditary Hemorrhagic Telangiectasia (JPS/HHT). Identifiers: Orphanet 2929, MedGen C1832942, MONDO:0008278, OMIM 175050.

Submission:

Myriad Genetics, Inc.
Classification: Likely benign for Juvenile polyposis/hereditary hemorrhagic telangiectasia syndrome. Last evaluated: 2025-03-19. Review status: criteria provided, single submitter. Criteria: Myriad Autosomal Dominant, Autosomal Recessive and X-Linked Classification Criteria (2023). Collection method: clinical testing. Allele origin: unknown.
Comment: This variant is considered likely benign. This variant is intronic and is not expected to impact mRNA splicing.

NM_005359.6(SMAD4):c.425-18_425-17delinsT

Gene: SMAD4 (SMAD family member 4; plus strand). Cytogenetic location: 18q21.2.
Variant type: Indel.
Coding change: c.425-18_425-17delinsT on transcript NM_005359.6 (MANE Select); 18 bases into the intron before coding-DNA position 425 through 17 bases into the intron before coding-DNA position 425, CC replaced by T.
Molecular consequence: intron variant.
Genome position (GRCh38, 1-based): chr18:51,049,277-51,049,278, CC replaced by T. VCF-style: chr18-51049277-CC-T. GRCh37 (hg19) VCF-style: chr18-48575647-CC-T.
Other names: c.425-18_425-17delinsT (NM_001407042.1, NM_001407041.1, NM_001407043.1).
Identifiers: ClinVar variation 3904432 (VCV003904432.1).